The following is an entry in ClinVar:

NM_000557.5(GDF5):c.1029G>C (p.Leu343=)

Genes: GDF5 (growth differentiation factor 5; minus strand), GDF5-AS1 (GDF5 antisense RNA 1; plus strand). Cytogenetic location: 20q11.22.
Variant type: single nucleotide variant.
Coding change: c.1029G>C on transcript NM_000557.5 (MANE Select); coding-DNA position 1029, G replaced by C.
Protein change: p.Leu343=; no amino-acid change (leucine 343 retained).
Molecular consequence: synonymous variant. On other transcripts: non-coding transcript variant (1).
Genome position (GRCh38, 1-based): chr20:35,434,386, C>G on the plus strand (G>C on the coding strand, the complement: GDF5 is on the minus strand). VCF-style: chr20-35434386-C-G. GRCh37 (hg19) VCF-style: chr20-34022184-C-G.
Other names: NM_001355428.1:c.228C>G; c.1029G>C, p.Leu343= (NM_001319138.2).
Identifiers: ClinVar variation 698371 (VCV000698371.13), dbSNP rs536732632, ClinGen allele CA9832185.

ClinVar aggregate classification (germline): Likely benign. Review status: criteria provided, multiple submitters, no conflicts (2 of 4 stars). 3 submissions from 3 submitters: Likely benign (2). 1 of the submissions does not count toward it. Last evaluated 2026-01-25.

Conditions:
GDF5OS-related condition.

Allele frequency attached by ClinVar (database versions not stated): 1000 Genomes Project 0.00020; gnomAD 0.00022; 1000 Genomes Project 30x 0.00031; TOPMed 0.00100.
gnomAD v4.1: 287 of 1,613,746 alleles (0.018%); highest among the groups gnomAD compares: Admixed American, 0.088%; no homozygotes.

Submissions (3):

Labcorp Genetics (formerly Invitae), Labcorp
Classification: Likely benign. Last evaluated: 2026-01-25. Review status: criteria provided, single submitter. Criteria: Invitae Variant Classification Sherloc (09022015). Collection method: clinical testing. Allele origin: germline.

Breakthrough Genomics
Classification: Likely benign. Review status: criteria provided, single submitter. Criteria: ACMG Guidelines, 2015. Collection method: not provided. Allele origin: germline. Inheritance: Autosomal recessive inheritance. Affected: yes.

PreventionGenetics, part of Exact Sciences
Classification: Likely benign for GDF5OS-related condition. Last evaluated: 2019-08-09. Review status: no assertion criteria provided. Collection method: clinical testing. Allele origin: germline. Not counted in ClinVar's aggregate classification.
Comment: This variant is classified as likely benign based on ACMG/AMP sequence variant interpretation guidelines (Richards et al. 2015 PMID: 25741868, with internal and published modifications).